The following is an entry in ClinVar:

NM_000127.3(EXT1):c.641C>A (p.Ala214Glu)

Gene: EXT1 (exostosin glycosyltransferase 1; minus strand). Cytogenetic location: 8q24.11.
Variant type: single nucleotide variant.
Coding change: c.641C>A on transcript NM_000127.3 (MANE Select); coding-DNA position 641, C replaced by A.
Protein change: p.Ala214Glu; replaces alanine 214 with glutamic acid.
Molecular consequence: missense variant.
Genome position (GRCh38, 1-based): chr8:118,110,406, G>T on the plus strand (C>A on the coding strand, the complement: EXT1 is on the minus strand). VCF-style: chr8-118110406-G-T. GRCh37 (hg19) VCF-style: chr8-119122645-G-T.
Other names: short protein forms A214E.
Identifiers: ClinVar variation 3765810 (VCV003765810.1).

ClinVar aggregate classification (germline): Uncertain significance (1 of 4 stars; one submission).

gnomAD v4.1: 1 of 1,614,146 alleles (0.000062%); highest among the groups gnomAD compares: South Asian, 0.0011%; no homozygotes.

Submission:

Greenwood Genetic Center Diagnostic Laboratories, Greenwood Genetic Center
Classification: Uncertain significance. Last evaluated: 2024-12-10. Review status: criteria provided, single submitter. Criteria: ACMG Guidelines, 2015. Collection method: clinical testing. Allele origin: germline. Affected: yes.
Comment: PM2, PP3